The following is an entry in ClinVar:

ClinVar aggregate classification (germline): Likely benign (1 of 4 stars; one submission).

Submission:

Laboratory for Molecular Medicine, Mass General Brigham Personalized Medicine
Classification: Likely benign. Last evaluated: 2014-06-18. Review status: criteria provided, single submitter. Criteria: LMM Criteria. Collection method: clinical testing. Allele origin: germline. Observed: 1 variant allele.
Comment: Pro10491Ser in exon 152 of TTN: This variant is not expected to have clinical si gnificance due to a lack of conservation across species, including mammals. Of n ote, 4 mammals (guinea pig, chinchilla, dolphin, and killer whale) have a serine (Ser) at this position despite high nearby amino acid conservation. In addition , computational prediction tools do not suggest a high likelihood of impact to t he protein.

NM_001267550.2(TTN):c.35374C>T (p.Pro11792Ser)

Gene: TTN (titin; minus strand). Cytogenetic location: 2q31.2.
Variant type: single nucleotide variant.
Coding change: c.35374C>T on transcript NM_001267550.2 (MANE Select); coding-DNA position 35374, C replaced by T.
Protein change: p.Pro11792Ser; replaces proline 11792 with serine.
Molecular consequence: missense variant. On other transcripts: intron variant (3).
Genome position (GRCh38, 1-based): chr2:178,670,230, G>A on the plus strand (C>T on the coding strand, the complement: TTN is on the minus strand). VCF-style: chr2-178670230-G-A. GRCh37 (hg19) VCF-style: chr2-179534957-G-A.
Other names: c.34252C>T, p.Pro11418Ser (NM_001256850.1); c.13283-27913C>T (NM_003319.4); c.13859-27913C>T (NM_133437.4); c.13658-27913C>T (NM_133432.3); c.31471C>T, p.Pro10491Ser (NM_133378.4); short protein forms P10491S, P11792S, P11418S.
Identifiers: ClinVar variation 179766 (VCV000179766.5), dbSNP rs727505111, ClinGen allele CA185093.